The following is an entry in ClinVar:

ClinVar aggregate classification (germline): Conflicting classifications of pathogenicity. Review status: criteria provided, conflicting classifications (1 of 4 stars). 4 submissions from 4 submitters: Uncertain significance (1); Likely benign (3). Last evaluated 2025-11-21.

Conditions:
Glycogen storage disease, type II (IOPD). Also called: CARDIOMEGALIA GLYCOGENICA DIFFUSA; GLYCOGENOSIS, GENERALIZED, CARDIAC FORM; GSD II; Glycogen storage disease type 2; Acid maltase deficiency disease; Aglucosidase alfa. Identifiers: Orphanet 365, MedGen C0017921, MONDO:0009290, OMIM 232300.

Allele frequency attached by ClinVar (database versions not stated): ExAC 0.00002; gnomAD exomes 0.00002 and 0.00005; TOPMed 0.00002; gnomAD 0.00003; ESP Exome Variant Server 0.00008.
gnomAD v4.1: 79 of 1,613,026 alleles (0.0049%); highest among the groups gnomAD compares: Non-Finnish European, 0.0064%; no homozygotes.

Submissions (4):

Labcorp Genetics (formerly Invitae), Labcorp
Classification: Likely benign for Glycogen storage disease, type II. Last evaluated: 2025-11-21. Review status: criteria provided, single submitter. Criteria: Invitae Variant Classification Sherloc (09022015). Collection method: clinical testing. Allele origin: germline.

Broad Center for Mendelian Genomics, Broad Institute of MIT and Harvard
Classification: Likely benign for Glycogen storage disease, type II. Last evaluated: 2020-01-22. Review status: criteria provided, single submitter. Criteria: ACMG Guidelines, 2015. Collection method: curation. Allele origin: germline. Inheritance: Autosomal recessive inheritance.
Comment: The c.1075+12T>G variant in GAA has not been previously reported in individuals with Glycogen Storage Disease II but has been reported as a VUS by Illumina and a likely benign variant by GeneDx in ClinVar (Variation ID: 325785). This variant has been identified in 0.006% (1/16138) of African chromosomes and 0.003% (3/113024) of European (non-Finnish) chromosomes by the Genome Aggregation Database (gnomAD; dbSNP rs370842677). Although this variant has been seen in the general population, its frequency is low enough to be consistent with a recessive carrier frequency. Computational prediction tools and conservation analyses suggest that this variant may not impact the protein, though this information is not predictive enough to rule out pathogenicity. However, novel synonymous variants supported by computational evidence without raised suspicion for an impact are likely benign (Richards 2015). In summary, although additional studies are required to fully establish its clinical significance, this variant is likely benign. ACMG/AMP Criteria applied: PM2, BP4, BP7 (Richards 2015).

Illumina Laboratory Services, Illumina
Classification: Uncertain significance for Glycogen storage disease, type II. Last evaluated: 2018-01-12. Review status: criteria provided, single submitter. Criteria: ICSL Variant Classification Criteria 13 December 2019. Collection method: clinical testing. Allele origin: germline.

GeneDx
Classification: Likely benign. Last evaluated: 2017-08-18. Review status: criteria provided, single submitter. Criteria: GeneDx Variant Classification (06012015). Collection method: clinical testing. Allele origin: germline. Affected: yes.
Comment: This variant is considered likely benign or benign based on one or more of the following criteria: it is a conservative change, it occurs at a poorly conserved position in the protein, it is predicted to be benign by multiple in silico algorithms, and/or has population frequency not consistent with disease.

NM_000152.5(GAA):c.1075+12T>G

Gene: GAA (alpha glucosidase; plus strand). Cytogenetic location: 17q25.3.
Variant type: single nucleotide variant.
Coding change: c.1075+12T>G on transcript NM_000152.5 (MANE Select); 12 bases into the intron after coding-DNA position 1075, T replaced by G.
Molecular consequence: intron variant.
Genome position (GRCh38, 1-based): chr17:80,108,421, T>G. VCF-style: chr17-80108421-T-G. GRCh37 (hg19) VCF-style: chr17-78082220-T-G.
Other names: c.1075+12T>G (LRG_673t1, NM_001079803.3, NM_001079804.3).
Identifiers: ClinVar variation 325785 (VCV000325785.15), dbSNP rs370842677, ClinGen allele CA8815141.